The following is an entry in ClinVar:

ClinVar aggregate classification (germline): Pathogenic (1 of 4 stars; one submission).

Submission:

GeneDx
Classification: Pathogenic. Last evaluated: 2016-11-23. Review status: criteria provided, single submitter. Criteria: GeneDx Variant Classification (06012015). Collection method: clinical testing. Allele origin: germline. Affected: yes.
Comment: This combined deletion and insertion is denoted BRCA1 c.1757_1760delCTATinsGA at the cDNA level and p.Pro586ArgfsX21 (P586RfsX21) at the protein level. The normal sequence, with the bases that are deleted and inserted in braces, is GAAC[delCTAT][insGA]AAGC. The variant causes a frameshift which changes a Proline to an Arginine at codon 586, and creates a premature stop codon at position 21 of the new reading frame. Although this variant has not, to our knowledge, been reported in the literature, it is predicted to cause loss of normal protein function through either protein truncation or nonsense-mediated mRNA decay. We consider this variant to be pathogenic.

NM_007294.4(BRCA1):c.1757_1760delinsGA (p.Pro586fs)

Gene: BRCA1 (BRCA1 DNA repair associated; minus strand). Cytogenetic location: 17q21.31.
Variant type: Indel.
Coding change: c.1757_1760delinsGA on transcript NM_007294.4 (MANE Select); coding-DNA positions 1757 to 1760, CTAT replaced by GA.
Protein change: p.Pro586fs; shifts the reading frame from proline 586.
Molecular consequence: frameshift variant. On other transcripts: intron variant (137).
Genome position (GRCh38, 1-based): chr17:43,093,771-43,093,774, ATAG replaced by TC on the plus strand (CTAT replaced by GA on the coding strand, the reverse complement: BRCA1 is on the minus strand). VCF-style: chr17-43093771-ATAG-TC. GRCh37 (hg19) VCF-style: chr17-41245788-ATAG-TC.
Other names: c.1613_1616delinsGA, p.Pro538fs (NM_001407742.1, NM_001407743.1, NM_001407744.1 and 20 more transcripts); c.1616_1619delinsGA, p.Pro539fs (NM_001407750.1, NM_001407751.1, NM_001407752.1 and 29 more transcripts); c.1544_1547delinsGA, p.Pro515fs (NM_001407853.1, NM_001407894.1, NM_001407895.1 and 9 more transcripts); c.1757_1760delinsGA, p.Pro586fs (NM_001407854.1, NM_001407858.1, NM_001407859.1 and 30 more transcripts); c.1754_1757delinsGA, p.Pro585fs (NM_001407860.1, NM_001407861.1, NM_001407587.1 and 22 more transcripts); c.1556_1559delinsGA, p.Pro519fs (NM_001407862.1); c.1634_1637delinsGA, p.Pro545fs (NM_001407863.1, NM_001407919.1, NM_001407937.1 and 19 more transcripts); c.1553_1556delinsGA, p.Pro518fs (NM_001407874.1, NM_001407875.1); and 40 more; short protein forms P539fs, P586fs, P290fs, P475fs, P515fs, P545fs, P560fs, P474fs.
Identifiers: ClinVar variation 545752 (VCV000545752.3), dbSNP rs1555591287, ClinGen allele CA658824512.